The following is an entry in ClinVar:

ClinVar aggregate classification (germline): Uncertain significance (1 of 4 stars; one submission).

Conditions:
Greig cephalopolysyndactyly syndrome (GCPS). Also called: POLYSYNDACTYLY WITH PECULIAR SKULL SHAPE; Greig syndrome; GLI3-Related Greig Cephalopolysyndactyly Syndrome. Identifiers: Orphanet 380, MedGen C0265306, MONDO:0008287, OMIM 175700.
Pallister-Hall syndrome (PHS). Also called: HYPOTHALAMIC HAMARTOBLASTOMA, HYPOPITUITARISM, IMPERFORATE ANUS, AND POSTAXIAL POLYDACTYLY; GLI3-Related Pallister-Hall Syndrome. Identifiers: Orphanet 672, MedGen C0265220, MONDO:0007804, OMIM 146510.

Allele frequency attached by ClinVar (database versions not stated): TOPMed below 0.00001.

Submission:

Labcorp Genetics (formerly Invitae), Labcorp
Classification: Uncertain significance for Pallister-Hall syndrome; Greig cephalopolysyndactyly syndrome. Last evaluated: 2022-07-25. Review status: criteria provided, single submitter. Criteria: Invitae Variant Classification Sherloc (09022015). Collection method: clinical testing. Allele origin: germline.
Comment: This variant has not been reported in the literature in individuals affected with GLI3-related conditions. This variant is not present in population databases (gnomAD no frequency). This sequence change replaces histidine, which is basic and polar, with glutamine, which is neutral and polar, at codon 995 of the GLI3 protein (p.His995Gln). Algorithms developed to predict the effect of missense changes on protein structure and function output the following: SIFT: "Tolerated"; PolyPhen-2: "Benign"; Align-GVGD: "Class C0". The glutamine amino acid residue is found in multiple mammalian species, which suggests that this missense change does not adversely affect protein function. In summary, the available evidence is currently insufficient to determine the role of this variant in disease. Therefore, it has been classified as a Variant of Uncertain Significance.

NM_000168.6(GLI3):c.2985C>A (p.His995Gln)

Gene: GLI3 (GLI family zinc finger 3; minus strand). Cytogenetic location: 7p14.1.
Variant type: single nucleotide variant.
Coding change: c.2985C>A on transcript NM_000168.6 (MANE Select); coding-DNA position 2985, C replaced by A.
Protein change: p.His995Gln; replaces histidine 995 with glutamine.
Molecular consequence: missense variant.
Genome position (GRCh38, 1-based): chr7:41,966,088, G>T on the plus strand (C>A on the coding strand, the complement: GLI3 is on the minus strand). VCF-style: chr7-41966088-G-T. GRCh37 (hg19) VCF-style: chr7-42005686-G-T.
Other names: short protein forms H995Q.
Identifiers: ClinVar variation 1722266 (VCV001722266.5), dbSNP rs1175715941, ClinGen allele CA367319603.